The following is an entry in ClinVar:

NM_194277.3(FRMD7):c.706_707del (p.Lys236fs)

Gene: FRMD7 (FERM domain containing 7; minus strand). Cytogenetic location: Xq26.2.
Variant type: Deletion.
Coding change: c.706_707del on transcript NM_194277.3 (MANE Select); coding-DNA positions 706 to 707, 2 bases deleted (AA; older notation c.706_707delAA).
Protein change: p.Lys236fs; shifts the reading frame from lysine 236.
Molecular consequence: frameshift variant.
Genome position (GRCh38, 1-based): chrX:132,084,524-132,084,525, TT deleted on the plus strand (AA on the coding strand, the reverse complement: FRMD7 is on the minus strand); deleting any 2 consecutive bases within chrX:132,084,524-132,084,526 gives the same sequence; the c. name uses the placement nearest the transcript's 3' end. VCF-style (leftmost placement, unchanged base first): chrX-132084523-CTT-C. GRCh37 (hg19) VCF-style: chrX-131218551-CTT-C.
Other names: c.661_662del, p.Lys221fs (NM_001306193.2); short protein forms K221fs, K236fs.
Identifiers: ClinVar variation 1075004 (VCV001075004.7), dbSNP rs2124221270, ClinGen allele CA2499226367.

ClinVar aggregate classification (germline): Pathogenic (1 of 4 stars; one submission).

Submission:

Labcorp Genetics (formerly Invitae), Labcorp
Classification: Pathogenic. Last evaluated: 2020-02-18. Review status: criteria provided, single submitter. Criteria: Invitae Variant Classification Sherloc (09022015). Collection method: clinical testing. Allele origin: germline.
Comment: This sequence change creates a premature translational stop signal (p.Lys236Alafs*66) in the FRMD7 gene. It is expected to result in an absent or disrupted protein product. This variant is not present in population databases (ExAC no frequency). This variant has not been reported in the literature in individuals with FRMD7-related conditions. Loss-of-function variants in FRMD7 are known to be pathogenic (PMID: 17013395). For these reasons, this variant has been classified as Pathogenic.

Literature cited by the submitters: PubMed 17013395.